The following is an entry in ClinVar:

ClinVar aggregate classification (germline): Uncertain significance (1 of 4 stars; one submission).

Submission:

GeneDx
Classification: Uncertain significance. Last evaluated: 2025-10-07. Review status: criteria provided, single submitter. Criteria: GeneDx Variant Classification Process June 2021. Collection method: clinical testing. Allele origin: germline.
Comment: Not observed at significant frequency in large population cohorts (gnomAD); In silico analysis supports that this missense variant has a deleterious effect on protein structure/function; Has not been previously published as pathogenic or benign to our knowledge

NM_153252.5(BRWD3):c.2194A>G (p.Arg732Gly)

Gene: BRWD3 (bromodomain and WD repeat domain containing 3; minus strand). Cytogenetic location: Xq21.1.
Variant type: single nucleotide variant.
Coding change: c.2194A>G on transcript NM_153252.5 (MANE Select); coding-DNA position 2194, A replaced by G.
Protein change: p.Arg732Gly; replaces arginine 732 with glycine.
Molecular consequence: missense variant.
Genome position (GRCh38, 1-based): chrX:80,717,610, T>C on the plus strand (A>G on the coding strand, the complement: BRWD3 is on the minus strand). VCF-style: chrX-80717610-T-C. GRCh37 (hg19) VCF-style: chrX-79973109-T-C.
Other names: short protein forms R732G.
Identifiers: ClinVar variation 3369719 (VCV003369719.2).